The following is an entry in ClinVar:

NM_004360.5(CDH1):c.1148A>G (p.Gln383Arg)

Gene: CDH1 (cadherin 1; plus strand). Cytogenetic location: 16q22.1.
Variant type: single nucleotide variant.
Coding change: c.1148A>G on transcript NM_004360.5 (MANE Select); coding-DNA position 1148, A replaced by G.
Protein change: p.Gln383Arg; replaces glutamine 383 with arginine.
Molecular consequence: missense variant. On other transcripts: 5 prime UTR variant (2), intron variant (1).
Genome position (GRCh38, 1-based): chr16:68,813,323, A>G. VCF-style: chr16-68813323-A-G. GRCh37 (hg19) VCF-style: chr16-68847226-A-G.
Other names: c.-468A>G (NM_001317185.2); c.-672A>G (NM_001317186.2); c.1137+1060A>G (NM_001317184.2); short protein forms Q383R.
Identifiers: ClinVar variation 1733006 (VCV001733006.5), dbSNP rs2152133311, ClinGen allele CA396461039.
Genomic context (GRCh38, chr16:68,813,323, plus strand): 5'-CTGCTAGCAGTCTTGGTACTTTGTAAATGACACATCTCTTTGCTCTGCAGTACAAGGGTC[A>G]GGTGCCTGAGAACGAGGCTAACGTCGTAATCACCACACTGAAAGTGACTGATGCTGATGC-3'
Protein context (NP_004351.1, residues 373-393): PIFNPTTYKG[Gln383Arg]VPENEANVVI

ClinVar aggregate classification (germline): Conflicting classifications of pathogenicity. Review status: criteria provided, conflicting classifications (1 of 4 stars). 2 submissions from 2 submitters: Uncertain significance (1); Likely benign (1). Last evaluated 2026-07-07.

Conditions:
Hereditary diffuse gastric adenocarcinoma (HDGC). Also called: DIFFUSE GASTRIC AND LOBULAR BREAST CANCER SYNDROME. Identifiers: Orphanet 26106, MedGen C1708349, MONDO:0007648, OMIM 137215.
Hereditary cancer-predisposing syndrome. Also called: Hereditary Cancer Syndrome; Hereditary neoplastic syndrome; Neoplastic Syndromes, Hereditary; Tumor predisposition. Identifiers: Orphanet 140162, MedGen C0027672, MeSH D009386, MONDO:0015356.

Submissions (2):

Ambry Genetics
Classification: Likely benign for Hereditary cancer-predisposing syndrome. Last evaluated: 2026-07-07. Review status: criteria provided, single submitter. Criteria: Ambry Variant Classification Scheme 2023. Collection method: clinical testing. Allele origin: germline.

Labcorp Genetics (formerly Invitae), Labcorp
Classification: Uncertain significance for Hereditary diffuse gastric adenocarcinoma. Last evaluated: 2024-05-06. Review status: criteria provided, single submitter. Criteria: Invitae Variant Classification Sherloc (09022015). Collection method: clinical testing. Allele origin: germline.
Comment: This sequence change replaces glutamine, which is neutral and polar, with arginine, which is basic and polar, at codon 383 of the CDH1 protein (p.Gln383Arg). This variant is not present in population databases (gnomAD no frequency). This variant has not been reported in the literature in individuals affected with CDH1-related conditions. ClinVar contains an entry for this variant (Variation ID: 1733006). Algorithms developed to predict the effect of missense changes on protein structure and function output the following: SIFT: "Not Available"; PolyPhen-2: "Benign"; Align-GVGD: "Not Available". The arginine amino acid residue is found in multiple mammalian species, which suggests that this missense change does not adversely affect protein function. In summary, the available evidence is currently insufficient to determine the role of this variant in disease. Therefore, it has been classified as a Variant of Uncertain Significance.